The following is an entry in ClinVar:

ClinVar aggregate classification (germline): Uncertain significance (1 of 4 stars; one submission).

Allele frequency attached by ClinVar (database versions not stated): gnomAD exomes below 0.00001; TOPMed 0.00004.
gnomAD v4.1: 2 of 1,569,602 alleles (0.00013%); highest among the groups gnomAD compares: African/African-American, 0.0027%; no homozygotes.

Submission:

Labcorp Genetics (formerly Invitae), Labcorp
Classification: Uncertain significance. Last evaluated: 2021-12-23. Review status: criteria provided, single submitter. Criteria: Invitae Variant Classification Sherloc (09022015). Collection method: clinical testing. Allele origin: germline.
Comment: This sequence change falls in intron 1 of the TULP1 gene. It does not directly change the encoded amino acid sequence of the TULP1 protein. It affects a nucleotide within the consensus splice site. This variant is present in population databases (no rsID available, gnomAD 0.007%). This variant has not been reported in the literature in individuals affected with TULP1-related conditions. Variants that disrupt the consensus splice site are a relatively common cause of aberrant splicing (PMID: 17576681, 9536098). Algorithms developed to predict the effect of sequence changes on RNA splicing suggest that this variant is not likely to affect RNA splicing. In summary, the available evidence is currently insufficient to determine the role of this variant in disease. Therefore, it has been classified as a Variant of Uncertain Significance.

Literature cited by the submitters: PubMed 17576681; PubMed 9536098.

NM_003322.6(TULP1):c.47+6G>A

Gene: TULP1 (TUB like protein 1; minus strand). Cytogenetic location: 6p21.31.
Variant type: single nucleotide variant.
Coding change: c.47+6G>A on transcript NM_003322.6 (MANE Select); 6 bases into the intron after coding-DNA position 47, G replaced by A.
Molecular consequence: intron variant.
Genome position (GRCh38, 1-based): chr6:35,512,806, C>T on the plus strand (G>A on the coding strand, the complement: TULP1 is on the minus strand). VCF-style: chr6-35512806-C-T. GRCh37 (hg19) VCF-style: chr6-35480583-C-T.
Other names: c.47+6G>A (NM_001289395.2).
Identifiers: ClinVar variation 2196883 (VCV002196883.1), dbSNP rs1052786505, ClinGen allele CA137293907.